The following is an entry in ClinVar:

ClinVar aggregate classification (germline): Likely benign. Review status: criteria provided, multiple submitters, no conflicts (2 of 4 stars). 4 submissions from 4 submitters: Likely benign (4). Last evaluated 2026-01-26.

Conditions:
ZNF469-related disorder. Also called: ZNF469-related condition.
Cardiovascular phenotype. Identifiers: MedGen CN230736.

Allele frequency attached by ClinVar (database versions not stated): gnomAD 0.00001; gnomAD exomes 0.00002; TOPMed 0.00004; 1000 Genomes Project 30x 0.00016; 1000 Genomes Project 0.00020.
gnomAD v4.1: 32 of 1,547,626 alleles (0.0021%); highest among the groups gnomAD compares: East Asian, 0.034%; no homozygotes.

Submissions (4):

Labcorp Genetics (formerly Invitae), Labcorp
Classification: Likely benign. Last evaluated: 2026-01-26. Review status: criteria provided, single submitter. Criteria: Invitae Variant Classification Sherloc (09022015). Collection method: clinical testing. Allele origin: germline.

PreventionGenetics, part of Exact Sciences
Classification: Likely benign for ZNF469-related condition. Last evaluated: 2025-12-18. Review status: criteria provided, single submitter. Criteria: ACMG Guidelines, 2015. Collection method: clinical testing. Allele origin: germline.
Comment: This variant is classified as likely benign based on ACMG/AMP sequence variant interpretation guidelines (Richards et al. 2015 PMID: 25741868, with internal and published modifications).

Women's Health and Genetics/Laboratory Corporation of America, LabCorp
Classification: Likely benign. Last evaluated: 2025-11-14. Review status: criteria provided, single submitter. Criteria: LabCorp Variant Classification Summary - May 2015. Collection method: clinical testing. Allele origin: germline.

Ambry Genetics
Classification: Likely benign for Cardiovascular phenotype. Last evaluated: 2021-10-28. Review status: criteria provided, single submitter. Criteria: Ambry Variant Classification Scheme 2023. Collection method: clinical testing. Allele origin: germline.

NM_001367624.2(ZNF469):c.4797C>T (p.Leu1599=)

Gene: ZNF469 (zinc finger protein 469; plus strand). Cytogenetic location: 16q24.2.
Variant type: single nucleotide variant.
Coding change: c.4797C>T on transcript NM_001367624.2 (MANE Select); coding-DNA position 4797, C replaced by T.
Protein change: p.Leu1599=; no amino-acid change (leucine 1599 retained).
Molecular consequence: synonymous variant.
Genome position (GRCh38, 1-based): chr16:88,432,267, C>T. VCF-style: chr16-88432267-C-T. GRCh37 (hg19) VCF-style: chr16-88498675-C-T.
Other names: NM_001127464.1:c.4713C>T; NM_001127464.2:c.4713C>T.
Identifiers: ClinVar variation 1742602 (VCV001742602.7), dbSNP rs548676256, ClinGen allele CA286376570.